The following is an entry in ClinVar:

NM_002160.4(TNC):c.3889G>A (p.Glu1297Lys)

Gene: TNC (tenascin C; minus strand). Cytogenetic location: 9q33.1.
Variant type: single nucleotide variant.
Coding change: c.3889G>A on transcript NM_002160.4 (MANE Select); coding-DNA position 3889, G replaced by A.
Protein change: p.Glu1297Lys; replaces glutamic acid 1297 with lysine.
Molecular consequence: missense variant. On other transcripts: intron variant (1).
Genome position (GRCh38, 1-based): chr9:115,063,061, C>T on the plus strand (G>A on the coding strand, the complement: TNC is on the minus strand). VCF-style: chr9-115063061-C-T. GRCh37 (hg19) VCF-style: chr9-117825340-C-T.
Other names: c.3760+735G>A (NM_001410991.1); short protein forms E1297K.
Identifiers: ClinVar variation 3051376 (VCV003051376.2), dbSNP rs1364341982, ClinGen allele CA374635129.
Genomic context (GRCh38, chr9:115,063,061, plus strand): 5'-TGAGGCCTGGGATTTCCATGGAACGCAGGCTGCCAGGAACCGTGAGATTGTGAGCCTCTT[C>T]CACCTGGTCAGCCTCCTGGACCTGAATAGTAAACTGGTCATAGGTTCCATCTGGCGTGGT-3'
Protein context (NP_002151.2, residues 1287-1307): TIQVQEADQV[Glu1297Lys]EAHNLTVPGS

ClinVar aggregate classification (germline): Uncertain significance (0 of 4 stars; one submission).

Conditions:
TNC-related disorder. Also called: TNC-related condition.

Submission:

PreventionGenetics, part of Exact Sciences
Classification: Uncertain significance for TNC-related condition. Last evaluated: 2023-12-21. Review status: no assertion criteria provided. Collection method: clinical testing. Allele origin: germline.
Comment: The TNC c.3889G>A variant is predicted to result in the amino acid substitution p.Glu1297Lys. To our knowledge, this variant has not been reported in the literature or in a large population database, indicating this variant is rare. At this time, the clinical significance of this variant is uncertain due to the absence of conclusive functional and genetic evidence.